The following is an entry in ClinVar:

NM_001367624.2(ZNF469):c.6179C>A (p.Ser2060Tyr)

Gene: ZNF469 (zinc finger protein 469; plus strand). Cytogenetic location: 16q24.2.
Variant type: single nucleotide variant.
Coding change: c.6179C>A on transcript NM_001367624.2 (MANE Select); coding-DNA position 6179, C replaced by A.
Protein change: p.Ser2060Tyr; replaces serine 2060 with tyrosine.
Molecular consequence: missense variant.
Genome position (GRCh38, 1-based): chr16:88,433,649, C>A. VCF-style: chr16-88433649-C-A. GRCh37 (hg19) VCF-style: chr16-88500057-C-A.
Other names: NM_001127464.1:c.6095C>A; NM_001127464.2:c.6095C>A; short protein forms S2060Y.
Identifiers: ClinVar variation 126928 (VCV000126928.45), dbSNP rs273585623, ClinGen allele CA151295.
Genomic context (GRCh38, chr16:88,433,649, plus strand): 5'-AGGGAAGCAGGGCAGCCATGAGCCTTCAGGAGGAGGCCGAGCCCACCCCAAGCCCCCCGT[C>A]CCCTAATAGGGAGTCCCTGGCGCTGGCCTTGACAGCAGCCCACAGCCGAAGTGGATCTGA-3'
Protein context (NP_001354553.1, residues 2050-2070): EEAEPTPSPP[Ser2060Tyr]PNRESLALAL

ClinVar aggregate classification (germline): Conflicting classifications of pathogenicity. Review status: criteria provided, conflicting classifications (1 of 4 stars). 11 submissions from 11 submitters: Uncertain significance (2); Benign (3); Likely benign (3). 3 of the submissions do not count toward it. Last evaluated 2026-01-31.

Conditions:
ZNF469-related disorder. Also called: ZNF469-related condition.
Keratoconus (KC). Identifiers: MedGen C0022578, MeSH D007640, MONDO:0015486, HP:0000563.
Cardiovascular phenotype. Identifiers: MedGen CN230736.
Keratoconus 1 (KTCN1). Identifiers: MedGen C1835677, MONDO:0007851, OMIM 148300.
Brittle cornea syndrome 1 (BCS1). Also called: FRAGILITAS OCULI WITH JOINT HYPEREXTENSIBILITY; DYSGENESIS MESODERMALIS CORNEAE ET SCLERAE; Corneal fragility keratoglobus, blue sclerae AND joint hypermobility; CORNEAL FRAGILITY, KERATOGLOBUS, BLUE SCLERAE, JOINT HYPEREXTENSIBILITY; EDS6B. Identifiers: Orphanet 90354, MedGen C0268344, MONDO:0024543, OMIM 229200.

Allele frequency attached by ClinVar (database versions not stated): gnomAD 0.00026; ExAC 0.00107.
gnomAD v4.1: 430 of 1,550,260 alleles (0.028%); highest among the groups gnomAD compares: Middle Eastern, 0.067%; no homozygotes.

Submissions (11):

Labcorp Genetics (formerly Invitae), Labcorp
Classification: Benign. Last evaluated: 2026-01-31. Review status: criteria provided, single submitter. Criteria: Invitae Variant Classification Sherloc (09022015). Collection method: clinical testing. Allele origin: germline.

Women's Health and Genetics/Laboratory Corporation of America, LabCorp
Classification: Likely benign. Last evaluated: 2025-04-28. Review status: criteria provided, single submitter. Criteria: LabCorp Variant Classification Summary - May 2015. Collection method: clinical testing. Allele origin: germline.
Comment: Variant summary: ZNF469 c.6179C>A (p.Ser2060Tyr) results in a non-conservative amino acid change in the encoded protein sequence. Three of four in-silico tools predict a damaging effect of the variant on protein function. The variant allele was found at a frequency of 0.00073 in 149632 control chromosomes, predominantly at a frequency of 0.0087 within the Ashkenazi Jewish subpopulation in the gnomAD database. The observed variant frequency within Ashkenazi Jewish control individuals in the gnomAD database exceeds the estimated maximal expected allele frequency for a pathogenic variant in ZNF469 causing Brittle cornea syndrome 1 phenotype. c.6179C>A has been observed in individual(s) affected with Keratoconus (example: Lechner_2014). These report(s) do not provide unequivocal conclusions about association of the variant with Brittle cornea syndrome 1. To our knowledge, no experimental evidence demonstrating an impact on protein function has been reported. The following publication has been ascertained in the context of this evaluation (PMID: 24895405). ClinVar contains an entry for this variant (Variation ID: 126928). Based on the evidence outlined above, the variant was classified as likely benign.

CeGaT Center for Human Genetics Tuebingen
Classification: Uncertain significance. Last evaluated: 2024-07-01. Review status: criteria provided, single submitter. Criteria: CeGaT Center For Human Genetics Tuebingen Variant Classification Criteria Version 2. Collection method: clinical testing. Allele origin: germline. Affected: yes. Observed: 3 variant alleles.
Comment: ZNF469: PM2, BP4

Genome-Nilou Lab
Classification: Benign for Brittle cornea syndrome 1. Last evaluated: 2021-12-05. Review status: criteria provided, single submitter. Criteria: ACMG Guidelines, 2015. Collection method: clinical testing. Allele origin: germline. Affected: no.

Ambry Genetics
Classification: Benign for Cardiovascular phenotype. Last evaluated: 2020-10-15. Review status: criteria provided, single submitter. Criteria: Ambry Variant Classification Scheme 2023. Collection method: clinical testing. Allele origin: germline.

GeneDx
Classification: Likely benign. Last evaluated: 2020-07-15. Review status: criteria provided, single submitter. Criteria: GeneDx Variant Classification Process June 2021. Collection method: clinical testing. Allele origin: germline. Affected: yes.
Comment: This variant is associated with the following publications: (PMID: 24895405)

Department of Pathology and Laboratory Medicine, Sinai Health System
Classification: Uncertain significance for Brittle cornea syndrome 1. Last evaluated: 2020-01-08. Review status: criteria provided, single submitter. Criteria: ACMG Guidelines, 2015. Collection method: research. Allele origin: germline.

Breakthrough Genomics
Classification: Likely benign. Review status: criteria provided, single submitter. Criteria: ACMG Guidelines, 2015. Collection method: not provided. Allele origin: germline. Inheritance: Autosomal recessive inheritance. Affected: yes.

PreventionGenetics, part of Exact Sciences
Classification: Likely benign for ZNF469-related condition. Last evaluated: 2022-08-26. Review status: no assertion criteria provided. Collection method: clinical testing. Allele origin: germline. Not counted in ClinVar's aggregate classification.
Comment: This variant is classified as likely benign based on ACMG/AMP sequence variant interpretation guidelines (Richards et al. 2015 PMID: 25741868, with internal and published modifications).

Reproductive Health Research and Development, BGI Genomics
Classification: Uncertain significance for Keratoconus. Last evaluated: 2020-01-06. Review status: no assertion criteria provided. Collection method: curation. Allele origin: germline. Not counted in ClinVar's aggregate classification.
Comment: NM_001127464.1:c.6095C>A in the ZNF469 gene has an allele frequency of 0.008 in Ashkenazi Jewish subpopulation in the gnomAD database. It has been detected in an individual with keratoconus (PMID: 24895405). Benign computational verdict because benign predictions from DANN, DEOGEN2, EIGEN, FATHMM-MKL, MVP, MutationTaster, PrimateAI and SIFT. We interpret it as variant of uncertain significance (VUS). ACMG/AMP criteria applied: BP4, PP4.

Willoughby Group, Queen's University Belfast
Classification: Pathogenic for Keratoconus 1. Review status: no assertion criteria provided. Collection method: not provided. Allele origin: germline. Not counted in ClinVar's aggregate classification.
ClinVar note: Converted during submission from pathogenic to Pathogenic.

Literature cited by the submitters: PubMed 24895405 (cited by Women's Health and Genetics/Laboratory Corporation of America, LabCorp and Ambry Genetics).